The following is an entry in ClinVar:

ClinVar aggregate classification (germline): Conflicting classifications of pathogenicity. Review status: criteria provided, conflicting classifications (1 of 4 stars). 5 submissions from 5 submitters: Uncertain significance (3); Likely benign (2). Last evaluated 2026-04-29.

Conditions:
PEX14-related disorder. Also called: PEX14-related condition.
Inborn genetic diseases. Identifiers: MedGen C0950123, MeSH D030342.
Peroxisome biogenesis disorder, complementation group K (CGK). Identifiers: MedGen C1866257, MONDO:0800365.

Allele frequency attached by ClinVar (database versions not stated): gnomAD exomes 0.00008 and 0.00010; gnomAD 0.00029 and 0.00028; TOPMed 0.00035; ESP Exome Variant Server 0.00046; ExAC 0.00011.
gnomAD v4.1: 166 of 1,613,660 alleles (0.01%); highest among the groups gnomAD compares: African/African-American, 0.083%; no homozygotes.

Submissions (5):

PreventionGenetics, part of Exact Sciences
Classification: Uncertain significance for PEX14-related condition. Last evaluated: 2026-04-29. Review status: criteria provided, single submitter. Criteria: ACMG Guidelines, 2015. Collection method: clinical testing. Allele origin: germline.
Comment: The PEX14 c.451G>A variant is predicted to result in the amino acid substitution p.Gly151Ser. To our knowledge, this variant has not been reported in the literature. This variant is reported in 0.085% of alleles in individuals of African descent in gnomAD. At this time, the clinical significance of this variant is uncertain due to the absence of conclusive functional and genetic evidence.

Labcorp Genetics (formerly Invitae), Labcorp
Classification: Uncertain significance for Peroxisome biogenesis disorder, complementation group K. Last evaluated: 2026-01-12. Review status: criteria provided, single submitter. Criteria: Invitae Variant Classification Sherloc (09022015). Collection method: clinical testing. Allele origin: germline.
Comment: This sequence change replaces glycine, which is neutral and non-polar, with serine, which is neutral and polar, at codon 151 of the PEX14 protein (p.Gly151Ser). This variant is present in population databases (rs145888212, gnomAD 0.09%). This variant has not been reported in the literature in individuals affected with PEX14-related conditions. ClinVar contains an entry for this variant (Variation ID: 285505). Invitae Evidence Modeling of protein sequence and biophysical properties (such as structural, functional, and spatial information, amino acid conservation, physicochemical variation, residue mobility, and thermodynamic stability) indicates that this missense variant is not expected to disrupt PEX14 protein function with a negative predictive value of 80%. In summary, the available evidence is currently insufficient to determine the role of this variant in disease. Therefore, it has been classified as a Variant of Uncertain Significance.

Blueprint Genetics
Classification: Likely benign. Last evaluated: 2024-06-18. Review status: criteria provided, single submitter. Criteria: ACMG Guidelines, 2015. Collection method: clinical testing. Allele origin: germline.

Ambry Genetics
Classification: Likely benign for Inborn genetic diseases. Last evaluated: 2023-05-23. Review status: criteria provided, single submitter. Criteria: Ambry Variant Classification Scheme 2023. Collection method: clinical testing. Allele origin: germline.

Eurofins Ntd Llc (ga)
Classification: Uncertain significance. Last evaluated: 2018-08-27. Review status: criteria provided, single submitter. Criteria: EGL ClinVar v180209 classification definitions. Collection method: clinical testing. Allele origin: germline. Observed: 2 variant alleles, 2 heterozygotes.

NM_004565.3(PEX14):c.451G>A (p.Gly151Ser)

Gene: PEX14 (peroxisomal biogenesis factor 14; plus strand). Cytogenetic location: 1p36.22.
Variant type: single nucleotide variant.
Coding change: c.451G>A on transcript NM_004565.3 (MANE Select); coding-DNA position 451, G replaced by A.
Protein change: p.Gly151Ser; replaces glycine 151 with serine.
Molecular consequence: missense variant.
Genome position (GRCh38, 1-based): chr1:10,623,085, G>A. VCF-style: chr1-10623085-G-A. GRCh37 (hg19) VCF-style: chr1-10683142-G-A.
Other names: c.451G>A (NM_004565.2); short protein forms G151S.
Identifiers: ClinVar variation 285505 (VCV000285505.14), dbSNP rs145888212, ClinGen allele CA583852.